The following is an entry in ClinVar:

NM_004415.4(DSP):c.6504_6507del (p.Ser2168fs)

Gene: DSP (desmoplakin; plus strand). Cytogenetic location: 6p24.3.
Variant type: Deletion.
Coding change: c.6504_6507del on transcript NM_004415.4 (MANE Select); coding-DNA positions 6504 to 6507, 4 bases deleted (TCAG; older notation c.6504_6507delTCAG).
Protein change: p.Ser2168fs; shifts the reading frame from serine 2168.
Molecular consequence: frameshift variant.
Genome position (GRCh38, 1-based): chr6:7,583,766-7,583,769, TCAG deleted; deleting any 4 consecutive bases within chr6:7,583,764-7,583,769 gives the same sequence; the c. name uses the placement nearest the transcript's 3' end. VCF-style (leftmost placement, unchanged base first): chr6-7583763-TAGTC-T. GRCh37 (hg19) VCF-style: chr6-7583996-TAGTC-T.
Other names: c.6504_6507del (NM_004415.3, NM_004415.2, LRG_423t1); c.4707_4710del, p.Ser1569fs (NM_001008844.3); c.5175_5178del, p.Ser1725fs (NM_001319034.2); short protein forms S1569fs, S1725fs, S2168fs.
Identifiers: ClinVar variation 578291 (VCV000578291.18), dbSNP rs1561702640, ClinGen allele CA891843114.
Genomic context (GRCh38, chr6:7,583,763, plus strand): 5'-CGCCTTGGCCCGGGGGCTGATTGATAGAGATTTGTATCGATCCCTGAATGATCCCCGAGA[TAGTC>T]AGAAAAACTTTGTGGATCCAGTCACCAAAAAGAAGGTCAGTTACGTGCAGCTGAAGGAAC-3'

ClinVar aggregate classification (germline): Pathogenic/Likely pathogenic. Review status: criteria provided, multiple submitters, no conflicts (2 of 4 stars). 8 submissions from 8 submitters: Pathogenic (5); Likely pathogenic (3). Last evaluated 2026-09-03.

Conditions:
Arrhythmogenic right ventricular dysplasia 8 (ARVD8). Also called: Arrhythmogenic Right Ventricular Dysplasia/Cardiomyopathy 8; ARRHYTHMOGENIC RIGHT VENTRICULAR DYSPLASIA, FAMILIAL, 8; ARRHYTHMOGENIC RIGHT VENTRICULAR CARDIOMYOPATHY 8. Identifiers: MedGen C1843896, MONDO:0011831, OMIM 607450.
Arrhythmogenic cardiomyopathy with wooly hair and keratoderma. Also called: Arrhythmogenic cardiomyopathy with woolly hair and keratoderma; Carvajal syndrome; PALMOPLANTAR KERATODERMA WITH LEFT VENTRICULAR CARDIOMYOPATHY AND WOOLLY HAIR; Dilated cardiomyopathy with woolly hair and keratoderma. Identifiers: Orphanet 65282, MedGen C1854063, MONDO:0011581, OMIM 605676.
DSP-related disorder. Also called: DSP-related condition; DSP-related disorders.
Cardiovascular phenotype. Identifiers: MedGen CN230736.
Woolly hair-skin fragility syndrome (WHSF). Identifiers: Orphanet 293165, MedGen C1843292, MONDO:0957307, OMIM 620415.
Lethal acantholytic epidermolysis bullosa (EBLA). Identifiers: Orphanet 158687, MedGen C1864826, MONDO:0012323, OMIM 609638.
Keratosis palmoplantaris striata 2. Also called: Keratosis palmoplantaris striata II; KERATODERMA, PALMOPLANTAR, STRIATE FORM II; STRIATE PALMOPLANTAR KERATODERMA II. Identifiers: MedGen C1852127, MONDO:0013034, OMIM 612908.
Cardiomyopathy, dilated, with wooly hair, keratoderma, and tooth agenesis. Also called: Cardiomyopathy, dilated, with woolly hair, keratoderma, and tooth agenesis; Erythrokeratodermia-cardiomyopathy syndrome. Identifiers: Orphanet 476096, Orphanet 65282, MedGen C4014393, MONDO:0014355, OMIM 615821.
Cardiomyopathy (CMYO). Also called: Cardiomyopathies. Identifiers: Orphanet 167848, MedGen C0878544, MONDO:0004994, HP:0001638. Inheritance: Various modes of inheritance.

Submissions (8):

GeneDx
Classification: Pathogenic. Last evaluated: 2026-09-03. Review status: criteria provided, single submitter. Criteria: GeneDx Variant Classification Process June 2021. Collection method: clinical testing. Allele origin: germline.
Comment: Identified in a cohort of patients with acute myocarditis (AM) in published literature (PMID: 36175056); Frameshift variant predicted to result in protein truncation in a gene for which loss of function is a known mechanism of disease; Not observed at significant frequency in large population cohorts (gnomAD); This variant is associated with the following publications: (PMID: 28527814, 21859740, 36175056)

Labcorp Genetics (formerly Invitae), Labcorp
Classification: Pathogenic for Arrhythmogenic cardiomyopathy with wooly hair and keratoderma; Arrhythmogenic right ventricular dysplasia 8. Last evaluated: 2025-09-24. Review status: criteria provided, single submitter. Criteria: Invitae Variant Classification Sherloc (09022015). Collection method: clinical testing. Allele origin: germline.
Comment: This sequence change creates a premature translational stop signal (p.Ser2168Argfs*18) in the DSP gene. While this is not anticipated to result in nonsense mediated decay, it is expected to disrupt the last 704 amino acid(s) of the DSP protein. This variant is not present in population databases (gnomAD no frequency). This variant has not been reported in the literature in individuals affected with DSP-related conditions. ClinVar contains an entry for this variant (Variation ID: 578291). This variant disrupts a region of the DSP protein in which other variant(s) (p.Glu2728Glyfs*11) have been determined to be pathogenic (internal data). This suggests that this is a clinically significant region of the protein, and that variants that disrupt it are likely to be disease-causing. For these reasons, this variant has been classified as Pathogenic.

Blueprint Genetics
Classification: Pathogenic for DSP-related disorders. Last evaluated: 2024-03-27. Review status: criteria provided, single submitter. Criteria: ACMG Guidelines, 2015. Collection method: clinical testing. Allele origin: germline. Affected: yes. Observed: 5 variant alleles.

Color Diagnostics, LLC DBA Color Health
Classification: Likely pathogenic for Cardiomyopathy. Last evaluated: 2023-04-11. Review status: criteria provided, single submitter. Criteria: ACMG Guidelines, 2015. Collection method: clinical testing. Allele origin: germline.
Comment: This variant deletes 4 nucleotides in exon 24 of the DSP gene, creating a frameshift and premature translation stop signal in the last exon. This variant is predicted to escape nonsense-mediated decay and be expressed as a truncated protein with disrupted plakin repeat domain A (a.a. 1960-2208) and downstream C-terminal sequence that have been reported to be essential for interaction with intermediate filaments (PMID: 12101406, 12802069, 21756917). In addition, truncating variants occurring downstream of this variant are known to be disease-causing (ClinVar variation ID: 1326970, 432027, 246676). To our knowledge, this variant has not been reported in individuals affected with DSP-related disorders in the literature. This variant has not been identified in the general population by the Genome Aggregation Database (gnomAD). Loss of DSP function is a known mechanism of disease. Based on the available evidence, this variant is classified as Likely Pathogenic.

All of Us Research Program, National Institutes of Health
Classification: Likely pathogenic for Arrhythmogenic cardiomyopathy with wooly hair and keratoderma. Last evaluated: 2023-03-17. Review status: criteria provided, single submitter. Criteria: ACMG Guidelines, 2015. Collection method: clinical testing. Allele origin: germline. Inheritance: Autosomal dominant inheritance. Observed: 1 variant allele, 1 heterozygote.
Comment: This variant creates a premature termination codon in the last exon or within the last 50 base pairs of the penultimate exon. The transcribed mRNA is predicted to escape nonsense mediated decay and result in protein truncation. This prediction has not been confirmed by functional studies. Several null variants have been reported 3' to this variant in patients with arrythmia (PMID: 27698334, 28527814, 27532257, 33313835, 35444050, 35444050, 33684294, 31514951, 28341588, 33313835, 32659924, 29606362, 29885824) To date, this variant has not been reported in association with human disease in the medical literature. This variant will remove a well-established functional domain of the protein where other pathogenic or likely pathogenic variants have been described (PMID: 23891292) This variant is absent from or rare in large population databases, including the Genome Aggregation Database.

This study involves interpretation of variants in research participants for the purpose of population health screening. Participant phenotype was not available at the time of variant classification. Additional details can be found in publication PMID: 35346344, PMCID: PMC8962531

Ambry Genetics
Classification: Pathogenic for Cardiovascular phenotype. Last evaluated: 2023-02-22. Review status: criteria provided, single submitter. Criteria: Ambry Variant Classification Scheme 2023. Collection method: clinical testing. Allele origin: germline.
Comment: The c.6504_6507delTCAG pathogenic mutation, located in coding exon 24 of the DSP gene, results from a deletion of 4 nucleotides at nucleotide positions 6504 to 6507, causing a translational frameshift with a predicted alternate stop codon (p.S2168Rfs*18). This alteration occurs at the 3' terminus of the DSP gene, is not expected to trigger nonsense-mediated mRNA decay, and only impacts the last 24% of the protein. However, premature stop codons are typically deleterious in nature and a significant portion of the protein is affected (Ambry internal data). Alterations in DSP that result in haploinsufficiency or protein truncation have been reported in patients with arrhythmogenic right ventricular cardiomyopathy (ARVC) and dilated cardiomyopathy (DCM) (Fressart V et al. Europace. 2010;12(6):861-8; Elliott P et al. Circ Cardiovasc Genet. 2010;3(4):314-22; Quarta G et al. Circulation. 2011;123(23):2701-9; Garcia-Pavia P et al. Heart. 2011;97(21):1744-52; Rasmussen TB et al. Clin Genet. 2013;84(1):20-30; Pugh TJ et al. Genet Med. 2014;16(8):601-8). This variant is considered to be rare based on population cohorts in the Genome Aggregation Database (gnomAD). Based on the supporting evidence, this alteration is interpreted as a disease-causing mutation.

Molecular Diagnostic Laboratory for Inherited Cardiovascular Disease, Montreal Heart Institute
Classification: Pathogenic for Cardiovascular phenotype. Last evaluated: 2022-06-02. Review status: criteria provided, single submitter. Criteria: ACMG Guidelines, 2015. Collection method: clinical testing. Allele origin: germline. Affected: yes.

Fulgent Genetics
Classification: Likely pathogenic for Arrhythmogenic cardiomyopathy with wooly hair and keratoderma; Arrhythmogenic right ventricular dysplasia 8; Lethal acantholytic epidermolysis bullosa; Keratosis palmoplantaris striata 2; Cardiomyopathy, dilated, with wooly hair, keratoderma, and tooth agenesis. Last evaluated: 2021-10-04. Review status: criteria provided, single submitter. Criteria: ACMG Guidelines, 2015. Collection method: clinical testing. Allele origin: unknown.

Literature cited by the submitters: PubMed 12101406 (cited by Color Diagnostics, LLC DBA Color Health); PubMed 12802069 (cited by Color Diagnostics, LLC DBA Color Health); PubMed 21756917 (cited by Color Diagnostics, LLC DBA Color Health); PubMed 23891292 (cited by All of Us Research Program, National Institutes of Health); PubMed 27532257 (cited by All of Us Research Program, National Institutes of Health); PubMed 27698334 (cited by All of Us Research Program, National Institutes of Health); PubMed 28341588 (cited by All of Us Research Program, National Institutes of Health); PubMed 28527814 (cited by All of Us Research Program, National Institutes of Health); PubMed 29606362 (cited by All of Us Research Program, National Institutes of Health); PubMed 29885824 (cited by All of Us Research Program, National Institutes of Health); PubMed 31514951 (cited by All of Us Research Program, National Institutes of Health); PubMed 32659924 (cited by All of Us Research Program, National Institutes of Health); PubMed 33313835 (cited by All of Us Research Program, National Institutes of Health); PubMed 33684294 (cited by All of Us Research Program, National Institutes of Health); PubMed 35444050 (cited by All of Us Research Program, National Institutes of Health).